The following is an entry in ClinVar:

NM_019098.5(CNGB3):c.126del (p.Gln43fs)

Gene: CNGB3 (cyclic nucleotide gated channel subunit beta 3; minus strand). Cytogenetic location: 8q21.3.
Variant type: Deletion.
Coding change: c.126del on transcript NM_019098.5 (MANE Select); coding-DNA position 126, one base deleted (A; older notation c.126delA).
Protein change: p.Gln43fs; shifts the reading frame from glutamine 43.
Molecular consequence: frameshift variant.
Genome position (GRCh38, 1-based): chr8:86,743,502, T deleted on the plus strand (A on the coding strand, the reverse complement: CNGB3 is on the minus strand). VCF-style (leftmost placement, unchanged base first): chr8-86743501-GT-G. GRCh37 (hg19) VCF-style: chr8-87755729-GT-G.
Other names: short protein forms Q43fs.
Identifiers: ClinVar variation 2757066 (VCV002757066.3), dbSNP rs2538195958, ClinGen allele CA2697549998.
Genomic context (GRCh38, chr8:86,743,501, plus strand): 5'-TATTACCAGATAAGAAATGATGAAAATCAAGGCTTGCATAGGAATGTAGAGGACATACCT[GT>G]GCTGTGGTTTGCTGAGACTGATTACTTGGGTGAGAGCCTTCTTCATTCCGACGAGAACTT-3'

ClinVar aggregate classification (germline): Pathogenic (1 of 4 stars; one submission).

Submission:

Labcorp Genetics (formerly Invitae), Labcorp
Classification: Pathogenic. Last evaluated: 2023-08-31. Review status: criteria provided, single submitter. Criteria: Invitae Variant Classification Sherloc (09022015). Collection method: clinical testing. Allele origin: germline.
Comment: For these reasons, this variant has been classified as Pathogenic. This variant has not been reported in the literature in individuals affected with CNGB3-related conditions. This variant is not present in population databases (gnomAD no frequency). This sequence change creates a premature translational stop signal (p.Gln43Argfs*40) in the CNGB3 gene. It is expected to result in an absent or disrupted protein product. Loss-of-function variants in CNGB3 are known to be pathogenic (PMID: 28795510).

Literature cited by the submitters: PubMed 28795510.